The following is an entry in ClinVar:

ClinVar aggregate classification (germline): Uncertain significance (1 of 4 stars; one submission).

Conditions:
Craniolenticulosutural dysplasia (CLSD). Also called: BOYADJIEV-JABS SYNDROME. Identifiers: Orphanet 50814, MedGen C1843042, MONDO:0011911, OMIM 607812.

Submission:

Labcorp Genetics (formerly Invitae), Labcorp
Classification: Uncertain significance for Craniolenticulosutural dysplasia. Last evaluated: 2025-08-04. Review status: criteria provided, single submitter. Criteria: Invitae Variant Classification Sherloc (09022015). Collection method: clinical testing. Allele origin: germline.
Comment: This sequence change replaces proline, which is neutral and non-polar, with leucine, which is neutral and non-polar, at codon 741 of the SEC23A protein (p.Pro741Leu). This variant is not present in population databases (gnomAD no frequency). This variant has not been reported in the literature in individuals affected with SEC23A-related conditions. An algorithm developed to predict the effect of missense changes on protein structure and function (PolyPhen-2) suggests that this variant is likely to be tolerated. In summary, the available evidence is currently insufficient to determine the role of this variant in disease. Therefore, it has been classified as a Variant of Uncertain Significance.

NM_006364.4(SEC23A):c.2222C>T (p.Pro741Leu)

Gene: SEC23A (SEC23 homolog A, COPII component; minus strand). Cytogenetic location: 14q21.1.
Variant type: single nucleotide variant.
Coding change: c.2222C>T on transcript NM_006364.4 (MANE Select); coding-DNA position 2222, C replaced by T.
Protein change: p.Pro741Leu; replaces proline 741 with leucine.
Molecular consequence: missense variant.
Genome position (GRCh38, 1-based): chr14:39,033,315, G>A on the plus strand (C>T on the coding strand, the complement: SEC23A is on the minus strand). VCF-style: chr14-39033315-G-A. GRCh37 (hg19) VCF-style: chr14-39502519-G-A.
Other names: short protein forms P741L.
Identifiers: ClinVar variation 4697534 (VCV004697534.1).